The following is an entry in ClinVar:

NM_014244.5(ADAMTS2):c.3508C>A (p.Leu1170Met)

Gene: ADAMTS2 (ADAM metallopeptidase with thrombospondin type 1 motif 2; minus strand). Cytogenetic location: 5q35.3.
Variant type: single nucleotide variant.
Coding change: c.3508C>A on transcript NM_014244.5 (MANE Select); coding-DNA position 3508, C replaced by A.
Protein change: p.Leu1170Met; replaces leucine 1170 with methionine.
Molecular consequence: missense variant.
Genome position (GRCh38, 1-based): chr5:179,113,995, G>T on the plus strand (C>A on the coding strand, the complement: ADAMTS2 is on the minus strand). VCF-style: chr5-179113995-G-T. GRCh37 (hg19) VCF-style: chr5-178540996-G-T.
Other names: short protein forms L1170M.
Identifiers: ClinVar variation 1346750 (VCV001346750.5), dbSNP rs769503304, ClinGen allele CA3595214.

ClinVar aggregate classification (germline): Uncertain significance (1 of 4 stars; one submission).

Conditions:
Ehlers-Danlos syndrome, dermatosparaxis type. Also called: Ehlers-Danlos syndrome, type VII, autosomal recessive; EDS VIIC; Dermatosparaxis. Identifiers: Orphanet 1901, MedGen C2700425, MONDO:0009161, OMIM 225410.

Allele frequency attached by ClinVar (database versions not stated): ExAC 0.00001; gnomAD exomes 0.00001.
gnomAD v4.1: 9 of 1,614,114 alleles (0.00056%); highest among the groups gnomAD compares: Non-Finnish European, 0.00068%; no homozygotes.

Submission:

Labcorp Genetics (formerly Invitae), Labcorp
Classification: Uncertain significance for Ehlers-Danlos syndrome, dermatosparaxis type. Last evaluated: 2021-08-28. Review status: criteria provided, single submitter. Criteria: Invitae Variant Classification Sherloc (09022015). Collection method: clinical testing. Allele origin: germline.
Comment: This sequence change replaces leucine with methionine at codon 1170 of the ADAMTS2 protein (p.Leu1170Met). The leucine residue is moderately conserved and there is a small physicochemical difference between leucine and methionine. This variant is present in population databases (rs769503304, ExAC 0.001%). This variant has not been reported in the literature in individuals affected with ADAMTS2-related conditions. Algorithms developed to predict the effect of missense changes on protein structure and function are either unavailable or do not agree on the potential impact of this missense change (SIFT: "Deleterious"; PolyPhen-2: "Possibly Damaging"; Align-GVGD: "Class C0"). In summary, the available evidence is currently insufficient to determine the role of this variant in disease. Therefore, it has been classified as a Variant of Uncertain Significance.